The following is an entry in ClinVar:

NM_000285.4(PEPD):c.1A>G (p.Met1Val)

Gene: PEPD (peptidase D; minus strand). Cytogenetic location: 19q13.11.
Variant type: single nucleotide variant.
Coding change: c.1A>G on transcript NM_000285.4 (MANE Select); coding-DNA position 1, A replaced by G.
Protein change: p.Met1Val; changes the start codon (methionine 1).
Molecular consequence: missense variant, initiator codon variant.
Genome position (GRCh38, 1-based): chr19:33,521,760, T>C on the plus strand (A>G on the coding strand, the complement: PEPD is on the minus strand). VCF-style: chr19-33521760-T-C. GRCh37 (hg19) VCF-style: chr19-34012666-T-C.
Other names: c.1A>G, p.Met1Val (NM_001166056.2, NM_001166057.2); short protein forms M1V.
Identifiers: ClinVar variation 1403780 (VCV001403780.17), dbSNP rs752145794, ClinGen allele CA9364556.
Genomic context (GRCh38, chr19:33,521,760, plus strand): 5'-CTCTCCACGCCAGCGGGAAAGAGCGAGGGAGGCGCAGCACTCACCCGGTGGCCGCCGCCA[T>C]GTTCGCCCGGCACCGGCGTCACGTGAAGTGCGGCGTCAGCTGAGCCCCTCCGGGTGCCAA-3'
Protein context (NP_000276.2, residues 1-11): [Met1Val]AAATGPSFWL

ClinVar aggregate classification (germline): Pathogenic/Likely pathogenic. Review status: criteria provided, multiple submitters, no conflicts (2 of 4 stars). 3 submissions from 3 submitters: Pathogenic (1); Likely pathogenic (2). Last evaluated 2025-10-14.

Conditions:
PEPD-related disorder. Also called: PEPD-related condition.

Allele frequency attached by ClinVar (database versions not stated): gnomAD 0.00005 and 0.00006; gnomAD exomes 0.00008; ExAC 0.00012; 1000 Genomes Project 30x 0.00016.

Submissions (3):

Labcorp Genetics (formerly Invitae), Labcorp
Classification: Pathogenic. Last evaluated: 2025-10-14. Review status: criteria provided, single submitter. Criteria: Invitae Variant Classification Sherloc (09022015). Collection method: clinical testing. Allele origin: germline.
Comment: This sequence change affects the initiator codon of the PEPD mRNA. This change may impact translation initiation or efficiency. The next in-frame methionine is located at codon 108. This variant is present in population databases (rs752145794, gnomAD 0.04%). This variant has not been reported in the literature in individuals affected with PEPD-related conditions. ClinVar contains an entry for this variant (Variation ID: 1403780). This variant disrupts a region of the PEPD protein in which other variant(s) (p.Arg27Trp) have been determined to be pathogenic (internal data). This suggests that this is a clinically significant region of the protein, and that variants that disrupt it are likely to be disease-causing. For these reasons, this variant has been classified as Pathogenic.

CeGaT Center for Human Genetics Tuebingen
Classification: Likely pathogenic. Last evaluated: 2025-05-01. Review status: criteria provided, single submitter. Criteria: CeGaT Center For Human Genetics Tuebingen Variant Classification Criteria Version 2. Collection method: clinical testing. Allele origin: germline. Affected: yes. Observed: 1 variant allele.
Comment: PEPD: PM2, PS1:Moderate, PVS1:Moderate, PM3:Supporting

Blueprint Genetics
Classification: Likely pathogenic for PEPD-related disorders. Last evaluated: 2020-12-10. Review status: criteria provided, single submitter. Criteria: ACMG Guidelines, 2015. Collection method: clinical testing. Allele origin: germline. Affected: yes. Observed: 5 variant alleles.